The following is an entry in ClinVar:

NM_004370.6(COL12A1):c.2252T>G (p.Leu751Ter)

Gene: COL12A1 (collagen type XII alpha 1 chain; minus strand). Cytogenetic location: 6q13.
Variant type: single nucleotide variant.
Coding change: c.2252T>G on transcript NM_004370.6 (MANE Select); coding-DNA position 2252, T replaced by G.
Protein change: p.Leu751Ter; replaces leucine 751 with a stop codon.
Molecular consequence: nonsense. On other transcripts: intron variant (1).
Genome position (GRCh38, 1-based): chr6:75,177,848, A>C on the plus strand (T>G on the coding strand, the complement: COL12A1 is on the minus strand). VCF-style: chr6-75177848-A-C. GRCh37 (hg19) VCF-style: chr6-75887564-A-C.
Other names: c.73+24872T>G (NM_080645.3); short protein forms L751*.
Identifiers: ClinVar variation 2572588 (VCV002572588.1), dbSNP rs1769045757, ClinGen allele CA364764270.

ClinVar aggregate classification (germline): Pathogenic (1 of 4 stars; one submission).

Conditions:
Ullrich congenital muscular dystrophy 2 (UCMD2). Identifiers: Orphanet 75840, MedGen C4225314, MONDO:0014654, OMIM 616470.

Submission:

3billion
Classification: Pathogenic for Ullrich congenital muscular dystrophy 2. Review status: criteria provided, single submitter. Criteria: ACMG Guidelines, 2015. Collection method: clinical testing. Allele origin: unknown. Affected: yes. Observed: 1 homozygote.
Comment: The homozygous variant is not observed in the gnomAD v2.1.1 dataset. This stop-gained (nonsense) variant is predicted to result in a loss or disruption of normal protein function through nonsense-mediated decay (NMD) or protein truncation. Multiple pathogenic variants are reported downstream of the variant. Therefore, this variant is classified as pathogenic according to the recommendation of ACMG/AMP guideline.